The following is an entry in ClinVar:

NM_031935.3(HMCN1):c.5620_5622del (p.Leu1874del)

Gene: HMCN1 (hemicentin 1; plus strand). Cytogenetic location: 1q31.1.
Variant type: Deletion.
Coding change: c.5620_5622del on transcript NM_031935.3 (MANE Select); coding-DNA positions 5620 to 5622, 3 bases deleted (CTT; older notation c.5620_5622delCTT).
Protein change: p.Leu1874del; deletes leucine 1874.
Molecular consequence: inframe deletion.
Genome position (GRCh38, 1-based): chr1:186,019,690-186,019,692, CTT deleted. VCF-style (leftmost placement, unchanged base first): chr1-186019689-CCTT-C. GRCh37 (hg19) VCF-style: chr1-185988821-CCTT-C.
Other names: short protein forms L1874del.
Identifiers: ClinVar variation 2023632 (VCV002023632.4), dbSNP rs2527547374, ClinGen allele CA2580061692.

ClinVar aggregate classification (germline): Uncertain significance (1 of 4 stars; one submission).

Submission:

Labcorp Genetics (formerly Invitae), Labcorp
Classification: Uncertain significance. Last evaluated: 2023-06-13. Review status: criteria provided, single submitter. Criteria: Invitae Variant Classification Sherloc (09022015). Collection method: clinical testing. Allele origin: germline.
Comment: In summary, the available evidence is currently insufficient to determine the role of this variant in disease. Therefore, it has been classified as a Variant of Uncertain Significance. Experimental studies and prediction algorithms are not available or were not evaluated, and the functional significance of this variant is currently unknown. ClinVar contains an entry for this variant (Variation ID: 2023632). This variant has not been reported in the literature in individuals affected with HMCN1-related conditions. This variant is not present in population databases (gnomAD no frequency). This variant, c.5620_5622del, results in the deletion of 1 amino acid(s) of the HMCN1 protein (p.Leu1874del), but otherwise preserves the integrity of the reading frame.